The following is an entry in ClinVar:

ClinVar aggregate classification (germline): Conflicting classifications of pathogenicity. Review status: criteria provided, conflicting classifications (1 of 4 stars). 5 submissions from 5 submitters: Uncertain significance (4); Likely benign (1). Last evaluated 2026-04-26.

Conditions:
Autosomal dominant hypocalcemia 1 (HYPOC1). Also called: HYPOCALCEMIA, FAMILIAL. Identifiers: MedGen C3715128, MONDO:0011013, OMIM 601198.
Familial hypocalciuric hypercalcemia (FHH). Also called: Familial benign hypercalcemia. Identifiers: Orphanet 405, MedGen C1809471, MONDO:0018458.
Nephrolithiasis/nephrocalcinosis. Identifiers: MedGen CN580796.
Epilepsy, idiopathic generalized, susceptibility to, 8. Identifiers: MedGen C2752062, MONDO:0013032, OMIM 612899.
Familial hypocalciuric hypercalcemia 1. Also called: Hypercalcemia, familial benign type 1. Identifiers: Orphanet 405, Orphanet 93372, MedGen C0342637, MONDO:0007791, OMIM 145980.
Neonatal severe primary hyperparathyroidism. Identifiers: Orphanet 417, MedGen C1832615, MONDO:0009397, OMIM 239200.

Allele frequency attached by ClinVar (database versions not stated): gnomAD 0.00001 and 0.00002; gnomAD exomes 0.00001; TOPMed 0.00002.
gnomAD v4.1: 17 of 1,613,834 alleles (0.0011%); highest among the groups gnomAD compares: Admixed American, 0.0017%; no homozygotes.

Submissions (5):

Dasa
Classification: Uncertain significance for Epilepsy, idiopathic generalized, susceptibility to, 8. Last evaluated: 2026-04-26. Review status: criteria provided, single submitter. Criteria: DASA Assertion Criteria. Collection method: clinical testing. Allele origin: germline.
Comment: NM_000388.4(CASR):c.1478A>G (p.Asn493Ser) is a missense variant that results in the substitution of asparagine with serine. This variant is rare in population databases. Computational prediction algorithms are consistent with a deleterious effect. The currently available literature and clinical evidence are not sufficient to establish a definitive association between this variant and the reported condition. Therefore, this variant is classified as a variant of uncertain significance.

Labcorp Genetics (formerly Invitae), Labcorp
Classification: Likely benign for Familial hypocalciuric hypercalcemia; Autosomal dominant hypocalcemia 1. Last evaluated: 2026-01-20. Review status: criteria provided, single submitter. Criteria: Invitae Variant Classification Sherloc (09022015). Collection method: clinical testing. Allele origin: germline.

Ambry Genetics
Classification: Uncertain significance for Nephrolithiasis/nephrocalcinosis. Last evaluated: 2023-08-30. Review status: criteria provided, single submitter. Criteria: Ambry Variant Classification Scheme 2023. Collection method: clinical testing. Allele origin: germline.
Comment: The p.N493S variant (also known as c.1478A>G), located in coding exon 4 of the CASR gene, results from an A to G substitution at nucleotide position 1478. The asparagine at codon 493 is replaced by serine, an amino acid with highly similar properties. This amino acid position is conserved. In addition, the in silico prediction for this alteration is inconclusive. Since supporting evidence is limited at this time, the clinical significance of this alteration remains unclear.

Fulgent Genetics
Classification: Uncertain significance for Familial hypocalciuric hypercalcemia 1; Neonatal severe primary hyperparathyroidism; Autosomal dominant hypocalcemia 1; Epilepsy, idiopathic generalized, susceptibility to, 8. Last evaluated: 2022-02-15. Review status: criteria provided, single submitter. Criteria: ACMG Guidelines, 2015. Collection method: clinical testing. Allele origin: unknown.

Genetic Services Laboratory, University of Chicago
Classification: Uncertain significance. Last evaluated: 2020-03-20. Review status: criteria provided, single submitter. Criteria: ACMG Guidelines, 2015. Collection method: clinical testing. Allele origin: germline. Affected: no.

NM_000388.4(CASR):c.1478A>G (p.Asn493Ser)

Gene: CASR (calcium sensing receptor; plus strand). Cytogenetic location: 3q21.1.
Variant type: single nucleotide variant.
Coding change: c.1478A>G on transcript NM_000388.4 (MANE Select); coding-DNA position 1478, A replaced by G.
Protein change: p.Asn493Ser; replaces asparagine 493 with serine.
Molecular consequence: missense variant.
Genome position (GRCh38, 1-based): chr3:122,275,912, A>G. VCF-style: chr3-122275912-A-G. GRCh37 (hg19) VCF-style: chr3-121994759-A-G.
Other names: c.1478A>G, p.Asn493Ser (NM_001178065.2); short protein forms N493S.
Identifiers: ClinVar variation 410339 (VCV000410339.18), dbSNP rs140347078, ClinGen allele CA16611092.